The following is an entry in ClinVar:

NM_000159.4(GCDH):c.196del (p.Leu66fs)

Genes: GCDH (glutaryl-CoA dehydrogenase; plus strand), LOC117125594 (CRISPRi-FlowFISH-validated KLF1 regulatory element; plus strand). Cytogenetic location: 19p13.13.
Variant type: Deletion.
Coding change: c.196del on transcript NM_000159.4 (MANE Select); coding-DNA position 196, one base deleted (C; older notation c.196delC).
Protein change: p.Leu66fs; shifts the reading frame from leucine 66.
Molecular consequence: frameshift variant. On other transcripts: non-coding transcript variant (2).
Genome position (GRCh38, 1-based): chr19:12,891,899, C deleted; the last of 2 consecutive C bases (chr19:12,891,898-12,891,899); deleting either gives the same sequence. VCF-style (leftmost placement, unchanged base first): chr19-12891897-TC-T. GRCh37 (hg19) VCF-style: chr19-13002711-TC-T.
Other names: c.196del, p.Leu66fs (NM_013976.5); short protein forms L66fs.
Identifiers: ClinVar variation 5011735 (VCV005011735.1).

ClinVar aggregate classification (germline): Pathogenic (1 of 4 stars; one submission).

Conditions:
Glutaric aciduria, type 1. Also called: GA I; Glutaryl-CoA dehydrogenase deficiency; Glutaric acidemia type I; Glutaricacidemia Type 1; Glutaricaciduria, type I; Glutaric Acidemia Type 1. Identifiers: Orphanet 25, MedGen C0268595, MONDO:0009281, OMIM 231670.

Submission:

Myriad Genetics, Inc.
Classification: Pathogenic for Glutaric aciduria, type 1. Last evaluated: 2023-09-26. Review status: criteria provided, single submitter. Criteria: Myriad Autosomal Dominant, Autosomal Recessive and X-Linked Classification Criteria (2023). Collection method: clinical testing. Allele origin: unknown.
Comment: NM_000159.2(GCDH):c.196delC(L66Sfs*76) is expected to be pathogenic in the context of glutaric acidemia, GCDH-related. This variant is predicted to lead to an abnormal or absent protein product due to the creation of a premature termination codon in GCDH, a gene where loss-of-function variants are known to be pathogenic. Please note: this variant was assessed in the context of healthy population screening.